The following is an entry in ClinVar:

NM_015335.5(MED13L):c.1646A>G (p.His549Arg)

Gene: MED13L (mediator complex subunit 13L; minus strand). Cytogenetic location: 12q24.21.
Variant type: single nucleotide variant.
Coding change: c.1646A>G on transcript NM_015335.5 (MANE Select); coding-DNA position 1646, A replaced by G.
Protein change: p.His549Arg; replaces histidine 549 with arginine.
Molecular consequence: missense variant.
Genome position (GRCh38, 1-based): chr12:116,008,767, T>C on the plus strand (A>G on the coding strand, the complement: MED13L is on the minus strand). VCF-style: chr12-116008767-T-C. GRCh37 (hg19) VCF-style: chr12-116446572-T-C.
Other names: short protein forms H549R.
Identifiers: ClinVar variation 3630878 (VCV003630878.2).
Genomic context (GRCh38, chr12:116,008,767, plus strand): 5'-TCTGTTTCCTGACCTCGTGGCTGAGGGCTGAGTGTTGGTGGCAGAGGGGATATAGGGGAA[T>C]GAGGTGAATCCATAGGATTCAGATTCATTTGCTTGCTTGTATTTCTGGAAGGCACGGCCA-3'
Protein context (NP_056150.1, residues 539-559): QMNLNPMDSP[His549Arg]SPISPLPPTL

ClinVar aggregate classification (germline): Uncertain significance (1 of 4 stars; one submission).

Conditions:
Dextro-looped transposition of the great arteries. Also called: Dextrotransposition of the great arteries. Identifiers: Orphanet 860, MedGen C3531771, MONDO:0019443, OMIM 608808, HP:0031348.

gnomAD v4.1: 2 of 1,613,856 alleles (0.00012%); highest among the groups gnomAD compares: African/African-American, 0.0013%; no homozygotes.

Submission:

Labcorp Genetics (formerly Invitae), Labcorp
Classification: Uncertain significance for Dextro-looped transposition of the great arteries. Last evaluated: 2024-11-05. Review status: criteria provided, single submitter. Criteria: Invitae Variant Classification Sherloc (09022015). Collection method: clinical testing. Allele origin: germline.
Comment: This sequence change replaces histidine, which is basic and polar, with arginine, which is basic and polar, at codon 549 of the MED13L protein (p.His549Arg). This variant is not present in population databases (gnomAD no frequency). This variant has not been reported in the literature in individuals affected with MED13L-related conditions. Invitae Evidence Modeling of protein sequence and biophysical properties (such as structural, functional, and spatial information, amino acid conservation, physicochemical variation, residue mobility, and thermodynamic stability) indicates that this missense variant is expected to disrupt MED13L protein function with a positive predictive value of 80%. In summary, the available evidence is currently insufficient to determine the role of this variant in disease. Therefore, it has been classified as a Variant of Uncertain Significance.